The following is an entry in ClinVar:

ClinVar aggregate classification (germline): Uncertain significance (1 of 4 stars; one submission).

Submission:

GeneDx
Classification: Uncertain significance. Last evaluated: 2026-02-06. Review status: criteria provided, single submitter. Criteria: GeneDx Variant Classification Process June 2021. Collection method: clinical testing. Allele origin: germline.
Comment: Not observed at significant frequency in large population cohorts (gnomAD); In silico analysis suggests that this missense variant does not alter protein structure/function; Has not been previously published as pathogenic or benign to our knowledge

NM_001242896.3(DEPDC5):c.1631A>C (p.Glu544Ala)

Gene: DEPDC5 (DEP domain containing 5, GATOR1 subcomplex subunit; plus strand). Cytogenetic location: 22q12.3.
Variant type: single nucleotide variant.
Coding change: c.1631A>C on transcript NM_001242896.3 (MANE Select); coding-DNA position 1631, A replaced by C.
Protein change: p.Glu544Ala; replaces glutamic acid 544 with alanine.
Molecular consequence: missense variant. On other transcripts: non-coding transcript variant (5).
Genome position (GRCh38, 1-based): chr22:31,815,177, A>C. VCF-style: chr22-31815177-A-C. GRCh37 (hg19) VCF-style: chr22-32211163-A-C.
Other names: c.1631A>C, p.Glu544Ala (NM_001364319.2, NM_001364320.2, NM_001369903.1 and 7 more transcripts); c.1547A>C, p.Glu516Ala (NM_001369901.1, NM_001369902.1); short protein forms E516A, E544A.
Identifiers: ClinVar variation 4278496 (VCV004278496.2).